The following is an entry in ClinVar:

ClinVar aggregate classification (germline): Uncertain significance. Review status: criteria provided, multiple submitters, no conflicts (2 of 4 stars). 2 submissions from 2 submitters: Uncertain significance (2). Last evaluated 2025-09-28.

Conditions:
Inborn genetic diseases. Identifiers: MedGen C0950123, MeSH D030342.
Giant axonal neuropathy 1 (GAN1). Also called: GIANT AXONAL NEUROPATHY 1, AUTOSOMAL RECESSIVE; GAN-Related Neurodegeneration. Identifiers: Orphanet 643, MedGen C1850386, MONDO:0009749, OMIM 256850.

Allele frequency attached by ClinVar (database versions not stated): gnomAD exomes below 0.00001 and 0.00001.
gnomAD v4.1: 3 of 1,613,850 alleles (0.00019%); highest among the groups gnomAD compares: Non-Finnish European, 0.00025%; no homozygotes.

Submissions (2):

Ambry Genetics
Classification: Uncertain significance for Inborn genetic diseases. Last evaluated: 2025-09-28. Review status: criteria provided, single submitter. Criteria: Ambry Variant Classification Scheme 2023. Collection method: clinical testing. Allele origin: germline.

Labcorp Genetics (formerly Invitae), Labcorp
Classification: Uncertain significance for Giant axonal neuropathy 1. Last evaluated: 2017-12-22. Review status: criteria provided, single submitter. Criteria: Invitae Variant Classification Sherloc (09022015). Collection method: clinical testing. Allele origin: germline.
Comment: This variant has not been reported in the literature in individuals with GAN-related disease. This variant is not present in population databases (ExAC no frequency). This sequence change replaces serine with tyrosine at codon 228 of the GAN protein (p.Ser228Tyr). The serine residue is moderately conserved and there is a large physicochemical difference between serine and tyrosine. Algorithms developed to predict the effect of missense changes on protein structure and function (SIFT, PolyPhen-2, Align-GVGD) all suggest that this variant is likely to be tolerated, but these predictions have not been confirmed by published functional studies and their clinical significance is uncertain. In summary, the available evidence is currently insufficient to determine the role of this variant in disease. Therefore, it has been classified as a Variant of Uncertain Significance.

NM_022041.4(GAN):c.683C>A (p.Ser228Tyr)

Gene: GAN (gigaxonin; plus strand). Cytogenetic location: 16q23.2.
Variant type: single nucleotide variant.
Coding change: c.683C>A on transcript NM_022041.4 (MANE Select); coding-DNA position 683, C replaced by A.
Protein change: p.Ser228Tyr; replaces serine 228 with tyrosine.
Molecular consequence: missense variant.
Genome position (GRCh38, 1-based): chr16:81,356,834, C>A. VCF-style: chr16-81356834-C-A. GRCh37 (hg19) VCF-style: chr16-81390439-C-A.
Other names: c.44C>A, p.Ser15Tyr (NM_001377486.1); short protein forms S228Y, S15Y.
Identifiers: ClinVar variation 533923 (VCV000533923.9), dbSNP rs1301648787, ClinGen allele CA396870833.